The following is an entry in ClinVar:

NM_198075.4(LRRC56):c.177+4A>T

Gene: LRRC56 (leucine rich repeat containing 56; plus strand). Cytogenetic location: 11p15.5.
Variant type: single nucleotide variant.
Coding change: c.177+4A>T on transcript NM_198075.4 (MANE Select); 4 bases into the intron after coding-DNA position 177, A replaced by T.
Molecular consequence: intron variant.
Genome position (GRCh38, 1-based): chr11:540,865, A>T. VCF-style: chr11-540865-A-T. GRCh37 (hg19) VCF-style: chr11-540865-A-T.
Other names: c.177+4A>T (NM_198075.3).
Identifiers: ClinVar variation 1283547 (VCV001283547.12), dbSNP rs114689581, ClinGen allele CA5779514.
Genomic context (GRCh38, chr11:540,865, plus strand): 5'-CAGAGGGACAGACTTGGAGAGCAGCTGGTGGAAGAGTACCTGTCCCCTGCCCGGCTGGTG[A>T]GTGTGGGCGCTGGGGGCTGTGGCCACAGAGGCCTCCGTGGGGTGACATCCCAGGGCTCCT-3'

ClinVar aggregate classification (germline): Benign. Review status: criteria provided, multiple submitters, no conflicts (2 of 4 stars). 3 submissions from 3 submitters: Benign (2). 1 of the submissions does not count toward it. Last evaluated 2026-02-01.

Conditions:
LRRC56-related disorder. Also called: LRRC56-related condition.

Allele frequency attached by ClinVar (database versions not stated): gnomAD exomes 0.00194 and 0.00471; ExAC 0.01057; gnomAD 0.01857 and 0.01996; ESP Exome Variant Server 0.01995; TOPMed 0.02095; 1000 Genomes Project 30x 0.02311; 1000 Genomes Project 0.02316.

Submissions (11):

Labcorp Genetics (formerly Invitae), Labcorp
Classification: Benign. Last evaluated: 2026-02-01. Review status: criteria provided, single submitter. Criteria: Invitae Variant Classification Sherloc (09022015). Collection method: clinical testing. Allele origin: germline.

GeneDx
Classification: Benign. Last evaluated: 2021-05-06. Review status: criteria provided, single submitter. Criteria: GeneDx Variant Classification Process June 2021. Collection method: clinical testing. Allele origin: germline. Affected: yes.

PreventionGenetics, part of Exact Sciences
Classification: Benign for LRRC56-related condition. Last evaluated: 2019-05-06. Review status: no assertion criteria provided. Collection method: clinical testing. Allele origin: germline. Not counted in ClinVar's aggregate classification.
Comment: This variant is classified as benign based on ACMG/AMP sequence variant interpretation guidelines (Richards et al. 2015 PMID: 25741868, with internal and published modifications).

Dr. Peter K. Rogan Lab, Western University
No classification provided (evidence only). Condition: Uterine corpus endometrial carcinoma. Review status: no classification provided. Collection method: in vitro. Allele origin: not applicable. Functional consequence: retained intron. Not counted in ClinVar's aggregate classification.

Dr. Peter K. Rogan Lab, Western University
No classification provided (evidence only). Condition: Uterine corpus endometrial carcinoma. Review status: no classification provided. Collection method: in vitro. Allele origin: not applicable. Functional consequence: skipped exon, retained intron. Not counted in ClinVar's aggregate classification.

Dr. Peter K. Rogan Lab, Western University
No classification provided (evidence only). Condition: Uterine corpus endometrial carcinoma. Review status: no classification provided. Collection method: in vitro. Allele origin: not applicable. Functional consequence: skipped exon. Not counted in ClinVar's aggregate classification.

Dr. Peter K. Rogan Lab, Western University
No classification provided (evidence only). Condition: Uterine corpus endometrial carcinoma. Review status: no classification provided. Collection method: in vitro. Allele origin: not applicable. Functional consequence: skipped exon. Not counted in ClinVar's aggregate classification.

Dr. Peter K. Rogan Lab, Western University
No classification provided (evidence only). Condition: Uterine corpus endometrial carcinoma. Review status: no classification provided. Collection method: in vitro. Allele origin: not applicable. Functional consequence: skipped exon. Not counted in ClinVar's aggregate classification.

Dr. Peter K. Rogan Lab, Western University
No classification provided (evidence only). Condition: Cervical cancer. Review status: no classification provided. Collection method: in vitro. Allele origin: not applicable. Functional consequence: skipped exon. Not counted in ClinVar's aggregate classification.

Dr. Peter K. Rogan Lab, Western University
No classification provided (evidence only). Condition: Uterine carcinosarcoma. Review status: no classification provided. Collection method: in vitro. Allele origin: not applicable. Functional consequence: skipped exon. Not counted in ClinVar's aggregate classification.

Dr. Peter K. Rogan Lab, Western University
No classification provided (evidence only). Condition: Uterine carcinosarcoma. Review status: no classification provided. Collection method: in vitro. Allele origin: not applicable. Functional consequence: skipped exon. Not counted in ClinVar's aggregate classification.